The following is an entry in ClinVar:

NM_001378454.1(ALMS1):c.6818C>T (p.Ala2273Val)

Gene: ALMS1 (ALMS1 centrosome and basal body associated protein; plus strand). Cytogenetic location: 2p13.1.
Variant type: single nucleotide variant.
Coding change: c.6818C>T on transcript NM_001378454.1 (MANE Select); coding-DNA position 6818, C replaced by T.
Protein change: p.Ala2273Val; replaces alanine 2273 with valine.
Molecular consequence: missense variant.
Genome position (GRCh38, 1-based): chr2:73,453,345, C>T. VCF-style: chr2-73453345-C-T. GRCh37 (hg19) VCF-style: chr2-73680472-C-T.
Other names: c.6821C>T, p.Ala2274Val (NM_015120.4); short protein forms A2273V, A2274V.
Identifiers: ClinVar variation 3857283 (VCV003857283.1).

ClinVar aggregate classification (germline): Uncertain significance (1 of 4 stars; one submission).

Conditions:
Cardiovascular phenotype. Identifiers: MedGen CN230736.

gnomAD v4.1: 2 of 1,613,868 alleles (0.00012%); highest among the groups gnomAD compares: Non-Finnish European, 0.00017%; no homozygotes.

Submission:

Ambry Genetics
Classification: Uncertain significance for Cardiovascular phenotype. Last evaluated: 2025-01-13. Review status: criteria provided, single submitter. Criteria: Ambry Variant Classification Scheme 2023. Collection method: clinical testing. Allele origin: germline.
Comment: The p.A2274V variant (also known as c.6821C>T), located in coding exon 8 of the ALMS1 gene, results from a C to T substitution at nucleotide position 6821. The alanine at codon 2274 is replaced by valine, an amino acid with similar properties. This amino acid position is highly conserved in available vertebrate species. In addition, the in silico prediction for this alteration is inconclusive. Based on the available evidence, the clinical significance of this variant remains unclear.